The following is an entry in ClinVar:

NM_000152.5(GAA):c.1292_1295dup (p.Gln433fs)

Gene: GAA (alpha glucosidase; plus strand). Cytogenetic location: 17q25.3.
Variant type: Duplication.
Coding change: c.1292_1295dup on transcript NM_000152.5 (MANE Select); coding-DNA positions 1292 to 1295, 4 bases duplicated (TGCA; older notation c.1292_1295dupTGCA).
Protein change: p.Gln433fs; shifts the reading frame from glutamine 433.
Molecular consequence: frameshift variant.
Genome position (GRCh38, 1-based): chr17:80,108,794-80,108,797, TGCA duplicated. VCF-style (leftmost placement, unchanged base first): chr17-80108793-C-CTGCA. GRCh37 (hg19) VCF-style: chr17-78082592-C-CTGCA.
Other names: c.1292_1295dup (LRG_673t1); c.1292_1295dup, p.Gln433fs (NM_001079803.3, NM_001079804.3); c.1292_1295dupTGCA (NM_000152.3); short protein forms Q433fs.
Identifiers: ClinVar variation 552165 (VCV000552165.16), dbSNP rs996798292, ClinGen allele CA294892605.

ClinVar aggregate classification (germline): Pathogenic. Review status: reviewed by expert panel (3 of 4 stars). 4 submissions from 4 submitters: Pathogenic (1). 3 of the submissions do not count toward it. Last evaluated 2020-09-21.

Conditions:
Glycogen storage disease, type II (IOPD). Also called: POMPE DISEASE, INFANTILE-ONSET; GLYCOGEN STORAGE DISEASE II, INFANTILE-ONSET; ACID ALPHA-GLUCOSIDASE DEFICIENCY, INFANTILE-ONSET; GAA DEFICIENCY, INFANTILE-ONSET; ACID MALTASE DEFICIENCY, INFANTILE-ONSET; CARDIOMEGALIA GLYCOGENICA DIFFUSA. Identifiers: Orphanet 365, MedGen C0017921, MONDO:0009290, OMIM 232300.

Allele frequency attached by ClinVar (database versions not stated): TOPMed 0.00001; gnomAD exomes below 0.00001; gnomAD 0.00001.

Submissions (4):

ClinGen Lysosomal Storage Disorder Variant Curation Expert Panel
Classification: Pathogenic for Glycogen storage disease, type II. Last evaluated: 2020-09-21. Review status: reviewed by expert panel. Criteria: ClinGen LSD ACMG Specifications v1. Collection method: curation. Allele origin: germline. Inheritance: Autosomal recessive inheritance.
Comment: This variant, c.1292_1295dup (p.Gln433AlafsTer74), is a frameshift variant that is predicted to result in a premature termination codon, nonsense mediated decay, and lack of gene product, meeting PVS1. A patient who is compound heterozygous for the variant and p.Arg854Ter (a known pathogenic variant and CRIM-negative allele), has no GAA cross-reactive immunological material on Western blot of protein from cultured skin fibroblasts (PMID 28814660), supporting that c.1292_1295dup results in lack of gene product. The highest population minor allele frequency in gnomAD v2.1.1 is 0.000074 in the African population, meeting PM2. Three patients with Pompe disease and meeting the ClinGen LSD VCEP's specifications have been reported (PMIDs 28814660, 29122469, 30214072, 32802993, personal communication). One of these patients is compound heterozygous for the variant and c.2560C>T (p.Arg854Ter). The phase is unknown (PMIDs 28814660, 29122469, personal communication). The other two patients are compound heterozygous for the variant and a missense variant, either c.1019A>G (p.Tyr340Cys) (PMID 32802993) or c.953T>C (p.Met318Thr) (PMID 30214072). The phase is unknown. The in trans data from these latter two patients may be used in the assessment of the missense variants and was not included here in order to avoid circular logic. PM3_Supporting is met. There is a ClinVar entry for this variant (Variation ID: 552165, 2 star review status) with one submitter classifying the variant as pathogenic and one submitter classifying the variant as likely pathogenic. In summary, this variant meets the criteria to be classified as pathogenic for Pompe disease. GAA-specific ACMG/AMP criteria applied, as specified by the ClinGen LSD VCEP: PVS1, PM2, PM3_Supporting, PP4.

Genomenon, Inc
Classification: Pathogenic for Glycogen storage disease, type II. Last evaluated: 2026-07-01. Review status: criteria provided, single submitter. Criteria: Genomenon Sequence Variant Interpretation Standards - Updated. Collection method: curation. Allele origin: germline. Affected: yes. Not counted in ClinVar's aggregate classification.
Comment: GAA p.Gln433AlafsTer74 (c.1292_1295dup) is a frameshift variant that is predicted to introduce a premature termination codon and result in a truncated or absent protein product. This variant has been observed in at least one proband with a GAA-related disorder (PMID:30214072;28814660). It is absent or not present at a significant frequency in gnomAD. In conclusion, we classify GAA p.Gln433AlafsTer74 (c.1292_1295dup) as a pathogenic variant.

Labcorp Genetics (formerly Invitae), Labcorp
Classification: Pathogenic for Glycogen storage disease, type II. Last evaluated: 2025-08-04. Review status: criteria provided, single submitter. Criteria: Invitae Variant Classification Sherloc (09022015). Collection method: clinical testing. Allele origin: germline. Not counted in ClinVar's aggregate classification.
Comment: This sequence change creates a premature translational stop signal (p.Gln433Alafs*74) in the GAA gene. It is expected to result in an absent or disrupted protein product. Loss-of-function variants in GAA are known to be pathogenic (PMID: 18425781, 22252923). This variant is present in population databases (no rsID available, gnomAD 0.007%). This premature translational stop signal has been observed in individual(s) with Pompe disease (PMID: 29122469). ClinVar contains an entry for this variant (Variation ID: 552165). For these reasons, this variant has been classified as Pathogenic.

Counsyl
Classification: Likely pathogenic for Glycogen storage disease, type II. Last evaluated: 2017-05-24. Review status: no assertion criteria provided. Collection method: clinical testing. Allele origin: unknown. Not counted in ClinVar's aggregate classification.

Literature cited by the submitters: PubMed 29122469 (cited by ClinGen Lysosomal Storage Disorder Variant Curation Expert Panel and Labcorp Genetics (formerly Invitae), Labcorp); PubMed 30214072 (cited by ClinGen Lysosomal Storage Disorder Variant Curation Expert Panel and Genomenon, Inc); PubMed 32802993 (cited by ClinGen Lysosomal Storage Disorder Variant Curation Expert Panel); PubMed 28814660 (cited by ClinGen Lysosomal Storage Disorder Variant Curation Expert Panel and Genomenon, Inc); PubMed 18425781 (cited by Labcorp Genetics (formerly Invitae), Labcorp); PubMed 22252923 (cited by Labcorp Genetics (formerly Invitae), Labcorp).